The following is an entry in ClinVar:

NM_177438.3(DICER1):c.2428A>G (p.Ile810Val)

Gene: DICER1 (dicer 1, ribonuclease III; minus strand). Cytogenetic location: 14q32.13.
Variant type: single nucleotide variant.
Coding change: c.2428A>G on transcript NM_177438.3 (MANE Select); coding-DNA position 2428, A replaced by G.
Protein change: p.Ile810Val; replaces isoleucine 810 with valine.
Molecular consequence: missense variant.
Genome position (GRCh38, 1-based): chr14:95,108,332, T>C on the plus strand (A>G on the coding strand, the complement: DICER1 is on the minus strand). VCF-style: chr14-95108332-T-C. GRCh37 (hg19) VCF-style: chr14-95574669-T-C.
Other names: c.2428A>G, p.Ile810Val (NM_001195573.1, NM_001271282.3, NM_001291628.2 and 1 more transcripts); short protein forms I810V.
Identifiers: ClinVar variation 479647 (VCV000479647.17), dbSNP rs1555370881, ClinGen allele CA390882064.

ClinVar aggregate classification (germline): Uncertain significance. Review status: criteria provided, multiple submitters, no conflicts (2 of 4 stars). 3 submissions from 3 submitters: Uncertain significance (3). Last evaluated 2024-06-21.

Conditions:
Global developmental delay - lung cysts - overgrowth - Wilms tumor syndrome. Also called: GLOW Syndrome; GLOBAL DEVELOPMENTAL DELAY, LUNG CYSTS, OVERGROWTH, AND WILMS TUMOR. Identifiers: Orphanet 404476, MedGen C4748924, MONDO:0018445, OMIM 618272.
DICER1-related tumor predisposition. Also called: DICER1-related pleuropulmonary blastoma cancer predisposition syndrome; DICER1 syndrome. Identifiers: Orphanet 284343, MedGen C3839822, MONDO:0100216.
Hereditary cancer-predisposing syndrome. Also called: Tumor predisposition; Neoplastic Syndromes, Hereditary; Hereditary Cancer Syndrome; Hereditary neoplastic syndrome. Identifiers: Orphanet 140162, MedGen C0027672, MeSH D009386, MONDO:0015356.

Allele frequency attached by ClinVar (database versions not stated): gnomAD exomes 0.00001; TOPMed 0.00001.
gnomAD v4.1: 7 of 1,613,984 alleles (0.00043%); highest among the groups gnomAD compares: Non-Finnish European, 0.00059%; no homozygotes.

Submissions (3):

Labcorp Genetics (formerly Invitae), Labcorp
Classification: Uncertain significance for DICER1-related tumor predisposition. Last evaluated: 2024-06-21. Review status: criteria provided, single submitter. Criteria: Invitae Variant Classification Sherloc (09022015). Collection method: clinical testing. Allele origin: germline.
Comment: This sequence change replaces isoleucine, which is neutral and non-polar, with valine, which is neutral and non-polar, at codon 810 of the DICER1 protein (p.Ile810Val). This variant is not present in population databases (gnomAD no frequency). This variant has not been reported in the literature in individuals affected with DICER1-related conditions. ClinVar contains an entry for this variant (Variation ID: 479647). Advanced modeling of protein sequence and biophysical properties (such as structural, functional, and spatial information, amino acid conservation, physicochemical variation, residue mobility, and thermodynamic stability) performed at Invitae indicates that this missense variant is not expected to disrupt DICER1 protein function with a negative predictive value of 80%. In summary, the available evidence is currently insufficient to determine the role of this variant in disease. Therefore, it has been classified as a Variant of Uncertain Significance.

Ambry Genetics
Classification: Uncertain significance for Hereditary cancer-predisposing syndrome. Last evaluated: 2024-04-11. Review status: criteria provided, single submitter. Criteria: Ambry Variant Classification Scheme 2023. Collection method: clinical testing. Allele origin: germline.
Comment: The p.I810V variant (also known as c.2428A>G), located in coding exon 14 of the DICER1 gene, results from an A to G substitution at nucleotide position 2428. The isoleucine at codon 810 is replaced by valine, an amino acid with highly similar properties. This amino acid position is highly conserved in available vertebrate species. In addition, the in silico prediction for this alteration is inconclusive. Based on the available evidence, the clinical significance of this variant remains unclear.

Baylor Genetics
Classification: Uncertain significance for Global developmental delay - lung cysts - overgrowth - Wilms tumor syndrome. Last evaluated: 2023-11-08. Review status: criteria provided, single submitter. Criteria: ACMG Guidelines, 2015. Collection method: clinical testing. Allele origin: unknown.